The following is an entry in ClinVar:

ClinVar aggregate classification (germline): Uncertain significance. Review status: criteria provided, multiple submitters, no conflicts (2 of 4 stars). 2 submissions from 2 submitters: Uncertain significance (2). Last evaluated 2025-12-20.

Conditions:
Tuberous sclerosis 2 (TSC2). Identifiers: Orphanet 805, MedGen C1860707, MONDO:0013199, OMIM 613254.
Hereditary cancer-predisposing syndrome. Also called: Hereditary Cancer Syndrome; Neoplastic Syndromes, Hereditary; Tumor predisposition; Hereditary neoplastic syndrome. Identifiers: Orphanet 140162, MedGen C0027672, MeSH D009386, MONDO:0015356.

gnomAD v4.1: 1 of 1,604,628 alleles (0.000062%); highest among the groups gnomAD compares: Non-Finnish European, 0.000085%; no homozygotes.

Submissions (2):

Ambry Genetics
Classification: Uncertain significance for Hereditary cancer-predisposing syndrome. Last evaluated: 2025-12-20. Review status: criteria provided, single submitter. Criteria: Ambry Variant Classification Scheme 2023. Collection method: clinical testing. Allele origin: germline.
Comment: The p.P1309A variant (also known as c.3925C>G), located in coding exon 32 of the TSC2 gene, results from a C to G substitution at nucleotide position 3925. The proline at codon 1309 is replaced by alanine, an amino acid with highly similar properties. This amino acid position is conserved. In addition, this alteration is predicted to be tolerated by in silico analysis. Based on the available evidence, the clinical significance of this variant remains unclear.

Labcorp Genetics (formerly Invitae), Labcorp
Classification: Uncertain significance for Tuberous sclerosis 2. Last evaluated: 2024-06-06. Review status: criteria provided, single submitter. Criteria: Invitae Variant Classification Sherloc (09022015). Collection method: clinical testing. Allele origin: germline.
Comment: This sequence change replaces proline, which is neutral and non-polar, with alanine, which is neutral and non-polar, at codon 1309 of the TSC2 protein (p.Pro1309Ala). This variant is not present in population databases (gnomAD no frequency). This variant has not been reported in the literature in individuals affected with TSC2-related conditions. Advanced modeling of protein sequence and biophysical properties (such as structural, functional, and spatial information, amino acid conservation, physicochemical variation, residue mobility, and thermodynamic stability) performed at Invitae indicates that this missense variant is not expected to disrupt TSC2 protein function with a negative predictive value of 95%. In summary, the available evidence is currently insufficient to determine the role of this variant in disease. Therefore, it has been classified as a Variant of Uncertain Significance.

NM_000548.5(TSC2):c.3925C>G (p.Pro1309Ala)

Gene: TSC2 (TSC complex subunit 2; plus strand). Cytogenetic location: 16p13.3.
Variant type: single nucleotide variant.
Coding change: c.3925C>G on transcript NM_000548.5 (MANE Select); coding-DNA position 3925, C replaced by G.
Protein change: p.Pro1309Ala; replaces proline 1309 with alanine.
Molecular consequence: missense variant. On other transcripts: non-coding transcript variant (5).
Genome position (GRCh38, 1-based): chr16:2,083,736, C>G. VCF-style: chr16-2083736-C-G. GRCh37 (hg19) VCF-style: chr16-2133737-C-G.
Other names: c.3724C>G, p.Pro1242Ala (NM_001077183.3); c.3856C>G, p.Pro1286Ala (NM_001114382.3); c.3616C>G, p.Pro1206Ala (NM_001318827.2); c.3580C>G, p.Pro1194Ala (NM_001318829.2); c.3193C>G, p.Pro1065Ala (NM_001318831.2); c.3757C>G, p.Pro1253Ala (NM_001318832.2); c.3727C>G, p.Pro1243Ala (NM_001363528.2); c.3793C>G, p.Pro1265Ala (NM_001370404.1); and 26 more; short protein forms P1109A, P1223A, P1242A, P1285A, P708A, P817A, P1085A, P1193A.
Identifiers: ClinVar variation 3690631 (VCV003690631.3).